The following is an entry in ClinVar:

ClinVar aggregate classification (germline): Uncertain significance (1 of 4 stars; one submission).

gnomAD v4.1: 1 of 1,614,098 alleles (0.000062%); highest among the groups gnomAD compares: Admixed American, 0.0017%; no homozygotes.

Submission:

GeneDx
Classification: Uncertain significance. Last evaluated: 2026-02-04. Review status: criteria provided, single submitter. Criteria: GeneDx Variant Classification Process June 2021. Collection method: clinical testing. Allele origin: germline.
Comment: Not observed at significant frequency in large population cohorts (gnomAD); In silico analysis supports that this missense variant has a deleterious effect on protein structure/function; Has not been previously published as pathogenic or benign to our knowledge

NM_006885.4(ZFHX3):c.2825T>C (p.Leu942Pro)

Gene: ZFHX3 (zinc finger homeobox 3; minus strand). Cytogenetic location: 16q22.3.
Variant type: single nucleotide variant.
Coding change: c.2825T>C on transcript NM_006885.4 (MANE Select); coding-DNA position 2825, T replaced by C.
Protein change: p.Leu942Pro; replaces leucine 942 with proline.
Molecular consequence: missense variant.
Genome position (GRCh38, 1-based): chr16:72,950,860, A>G on the plus strand (T>C on the coding strand, the complement: ZFHX3 is on the minus strand). VCF-style: chr16-72950860-A-G. GRCh37 (hg19) VCF-style: chr16-72984759-A-G.
Other names: c.83T>C, p.Leu28Pro (NM_001164766.2); c.2825T>C, p.Leu942Pro (NM_001386735.1); short protein forms L28P, L942P.
Identifiers: ClinVar variation 4976225 (VCV004976225.1).
Genomic context (GRCh38, chr16:72,950,860, plus strand): 5'-CCCAGCATGTCCAGGTTGTCCGTCGTGAACTTGTTGCAGACGGCGCACTGGAAGAGCTTC[A>G]GCGACGGGTCGTTGGTCTGGATGAAGCTCTCGCCCAGGTTCATCAGCTCCTCTGACACCA-3'
Protein context (NP_008816.3, residues 932-952): ESFIQTNDPS[Leu942Pro]KLFQCAVCNK